The following is an entry in ClinVar:

ClinVar aggregate classification (germline): Uncertain significance. Review status: criteria provided, multiple submitters, no conflicts (2 of 4 stars). 5 submissions from 4 submitters: Uncertain significance (5). Last evaluated 2025-04-10.

Conditions:
Glaucoma 3, primary congenital, D. Identifiers: Orphanet 98976, MedGen C2751316, MONDO:0013122, OMIM 613086.
Weill-Marchesani syndrome. Also called: WM Syndrome; Mesodermal dysmorphodystrophy congenital. Identifiers: Orphanet 3449, MedGen C0265313, MONDO:0018096.
Inborn genetic diseases. Identifiers: MedGen C0950123, MeSH D030342.

Allele frequency attached by ClinVar (database versions not stated): TOPMed 0.00002; ExAC 0.00003; gnomAD exomes 0.00003 and 0.00004; gnomAD 0.00005.
gnomAD v4.1: 61 of 1,613,870 alleles (0.0038%); highest among the groups gnomAD compares: Middle Eastern, 0.016%; no homozygotes.

Submissions (5):

Ambry Genetics
Classification: Uncertain significance for Inborn genetic diseases. Last evaluated: 2025-04-10. Review status: criteria provided, single submitter. Criteria: Ambry Variant Classification Scheme 2023. Collection method: clinical testing. Allele origin: germline.

CeGaT Center for Human Genetics Tuebingen
Classification: Uncertain significance. Last evaluated: 2024-06-01. Review status: criteria provided, single submitter. Criteria: CeGaT Center For Human Genetics Tuebingen Variant Classification Criteria Version 2. Collection method: clinical testing. Allele origin: germline. Affected: yes. Observed: 1 variant allele.
Comment: LTBP2: PM2

Labcorp Genetics (formerly Invitae), Labcorp
Classification: Uncertain significance. Last evaluated: 2022-03-24. Review status: criteria provided, single submitter. Criteria: Invitae Variant Classification Sherloc (09022015). Collection method: clinical testing. Allele origin: germline.
Comment: This sequence change replaces glutamic acid, which is acidic and polar, with lysine, which is basic and polar, at codon 1237 of the LTBP2 protein (p.Glu1237Lys). This variant is present in population databases (rs769155905, gnomAD 0.02%). This variant has not been reported in the literature in individuals affected with LTBP2-related conditions. ClinVar contains an entry for this variant (Variation ID: 884668). Algorithms developed to predict the effect of missense changes on protein structure and function are either unavailable or do not agree on the potential impact of this missense change (SIFT: "Deleterious"; PolyPhen-2: "Possibly Damaging"; Align-GVGD: "Class C15"). In summary, the available evidence is currently insufficient to determine the role of this variant in disease. Therefore, it has been classified as a Variant of Uncertain Significance.

Illumina Laboratory Services, Illumina
Classification: Uncertain significance for Glaucoma 3, primary congenital, D. Last evaluated: 2018-01-12. Review status: criteria provided, single submitter. Criteria: ICSL Variant Classification Criteria 13 December 2019. Collection method: clinical testing. Allele origin: germline.

Illumina Laboratory Services, Illumina
Classification: Uncertain significance for Weill-Marchesani syndrome. Last evaluated: 2018-01-12. Review status: criteria provided, single submitter. Criteria: ICSL Variant Classification Criteria 13 December 2019. Collection method: clinical testing. Allele origin: germline.

NM_000428.3(LTBP2):c.3709G>A (p.Glu1237Lys)

Gene: LTBP2 (latent transforming growth factor beta binding protein 2; minus strand). Cytogenetic location: 14q24.3.
Variant type: single nucleotide variant.
Coding change: c.3709G>A on transcript NM_000428.3 (MANE Select); coding-DNA position 3709, G replaced by A.
Protein change: p.Glu1237Lys; replaces glutamic acid 1237 with lysine.
Molecular consequence: missense variant.
Genome position (GRCh38, 1-based): chr14:74,508,039, C>T on the plus strand (G>A on the coding strand, the complement: LTBP2 is on the minus strand). VCF-style: chr14-74508039-C-T. GRCh37 (hg19) VCF-style: chr14-74974742-C-T.
Other names: short protein forms E1237K.
Identifiers: ClinVar variation 884668 (VCV000884668.26), dbSNP rs769155905, ClinGen allele CA7269063.